The following is an entry in ClinVar:

NM_003640.5(ELP1):c.2131A>G (p.Met711Val)

Gene: ELP1 (elongator acetyltransferase complex subunit 1; minus strand). Cytogenetic location: 9q31.3.
Variant type: single nucleotide variant.
Coding change: c.2131A>G on transcript NM_003640.5 (MANE Select); coding-DNA position 2131, A replaced by G.
Protein change: p.Met711Val; replaces methionine 711 with valine.
Molecular consequence: missense variant.
Genome position (GRCh38, 1-based): chr9:108,899,895, T>C on the plus strand (A>G on the coding strand, the complement: ELP1 is on the minus strand). VCF-style: chr9-108899895-T-C. GRCh37 (hg19) VCF-style: chr9-111662175-T-C.
Other names: c.1789A>G, p.Met597Val (NM_001318360.2); c.1084A>G, p.Met362Val (NM_001330749.2); short protein forms M597V, M362V, M711V.
Identifiers: ClinVar variation 1941528 (VCV001941528.2), dbSNP rs2131987661, ClinGen allele CA374423242.
Genomic context (GRCh38, chr9:108,899,895, plus strand): 5'-TCCGAATCTGAGCTAAAACCAGGGCTCGATGATGAACAACTTCTAAGTTTCCCCTTGGCA[T>C]CTTAAATAAATTAAAGCAGTAACATTTTTAATTAAGTAGAAAACATTTAAATAGCCAGGA-3'
Protein context (NP_003631.2, residues 701-721): VPQDTKLVLQ[Met711Val]PRGNLEVVHH

ClinVar aggregate classification (germline): Uncertain significance (1 of 4 stars; one submission).

Allele frequency attached by ClinVar (database versions not stated): gnomAD 0.00001; 1000 Genomes Project 30x 0.00016.
gnomAD v4.1: 1 of 1,613,396 alleles (0.000062%); highest among the groups gnomAD compares: East Asian, 0.0022%; no homozygotes.

Submission:

Labcorp Genetics (formerly Invitae), Labcorp
Classification: Uncertain significance. Last evaluated: 2022-06-24. Review status: criteria provided, single submitter. Criteria: Invitae Variant Classification Sherloc (09022015). Collection method: clinical testing. Allele origin: germline.
Comment: This sequence change replaces methionine, which is neutral and non-polar, with valine, which is neutral and non-polar, at codon 711 of the ELP1 protein (p.Met711Val). This variant is not present in population databases (gnomAD no frequency). This variant has not been reported in the literature in individuals affected with ELP1-related conditions. Algorithms developed to predict the effect of missense changes on protein structure and function output the following: SIFT: "Tolerated"; PolyPhen-2: "Benign"; Align-GVGD: "Class C0". The valine amino acid residue is found in multiple mammalian species, which suggests that this missense change does not adversely affect protein function. Algorithms developed to predict the effect of sequence changes on RNA splicing suggest that this variant may create or strengthen a splice site. In summary, the available evidence is currently insufficient to determine the role of this variant in disease. Therefore, it has been classified as a Variant of Uncertain Significance.